The following is an entry in ClinVar:

ClinVar aggregate classification (germline): Uncertain significance (1 of 4 stars; one submission).

Conditions:
Hereditary cancer-predisposing syndrome. Also called: Neoplastic Syndromes, Hereditary; Tumor predisposition; Hereditary neoplastic syndrome; Hereditary Cancer Syndrome. Identifiers: Orphanet 140162, MedGen C0027672, MeSH D009386, MONDO:0015356.

gnomAD v4.1: 2 of 1,614,186 alleles (0.00012%); highest among the groups gnomAD compares: Non-Finnish European, 0.00017%; no homozygotes.

Submission:

Ambry Genetics
Classification: Uncertain significance for Hereditary cancer-predisposing syndrome. Last evaluated: 2026-07-06. Review status: criteria provided, single submitter. Criteria: Ambry Variant Classification Scheme 2023. Collection method: clinical testing. Allele origin: germline.
Comment: The p.Y315C variant (also known as c.944A>G), located in coding exon 8 of the PTCH1 gene, results from an A to G substitution at nucleotide position 944. The tyrosine at codon 315 is replaced by cysteine, an amino acid with highly dissimilar properties. This amino acid position is conserved. In addition, the in silico prediction for this alteration is inconclusive. Based on the available evidence, the clinical significance of this variant remains unclear.

NM_000264.5(PTCH1):c.1142A>G (p.Tyr381Cys)

Gene: PTCH1 (patched 1; minus strand). Cytogenetic location: 9q22.32.
Variant type: single nucleotide variant.
Coding change: c.1142A>G on transcript NM_000264.5 (MANE Select); coding-DNA position 1142, A replaced by G.
Protein change: p.Tyr381Cys; replaces tyrosine 381 with cysteine.
Molecular consequence: missense variant. On other transcripts: non-coding transcript variant (1).
Genome position (GRCh38, 1-based): chr9:95,479,073, T>C on the plus strand (A>G on the coding strand, the complement: PTCH1 is on the minus strand). VCF-style: chr9-95479073-T-C. GRCh37 (hg19) VCF-style: chr9-98241355-T-C.
Other names: c.689A>G, p.Tyr230Cys (NM_001083605.3, NM_001083606.3, NM_001083607.3 and 1 more transcripts); c.1142A>G, p.Tyr381Cys (NM_001354918.2); c.944A>G, p.Tyr315Cys (NM_001083602.3); c.1139A>G, p.Tyr380Cys (NM_001083603.3); short protein forms Y315C, Y380C, Y230C, Y381C.
Identifiers: ClinVar variation 5027480 (VCV005027480.1).